The following is an entry in ClinVar:

NM_000744.7(CHRNA4):c.1343C>T (p.Pro448Leu)

Gene: CHRNA4 (cholinergic receptor nicotinic alpha 4 subunit; minus strand). Cytogenetic location: 20q13.33.
Variant type: single nucleotide variant.
Coding change: c.1343C>T on transcript NM_000744.7 (MANE Select); coding-DNA position 1343, C replaced by T.
Protein change: p.Pro448Leu; replaces proline 448 with leucine.
Molecular consequence: missense variant. On other transcripts: non-coding transcript variant (1).
Genome position (GRCh38, 1-based): chr20:63,350,068, G>A on the plus strand (C>T on the coding strand, the complement: CHRNA4 is on the minus strand). VCF-style: chr20-63350068-G-A. GRCh37 (hg19) VCF-style: chr20-61981420-G-A.
Other names: c.815C>T, p.Pro272Leu (NM_001256573.2); short protein forms P272L, P448L.
Identifiers: ClinVar variation 3336450 (VCV003336450.1).
Genomic context (GRCh38, chr20:63,350,068, plus strand): 5'-ACGCTGAGGGACCTGGCTTTGGCCAGCCCTGGTGCCTGGGTGCCGTGGGGCGGGCGGCAG[G>A]GTCCAGGCGAGGGGTGGGGGCTGGCTTTCTCAGCTTCCAGGGGCTGCTGAGGAGGGAGCT-3'
Protein context (NP_000735.1, residues 438-458): EKASPHPSPG[Pro448Leu]CRPPHGTQAP

ClinVar aggregate classification (germline): Uncertain significance (1 of 4 stars; one submission).

gnomAD v4.1: 5 of 1,514,102 alleles (0.00033%); highest among the groups gnomAD compares: African/African-American, 0.0014%; no homozygotes.

Submission:

Women's Health and Genetics/Laboratory Corporation of America, LabCorp
Classification: Uncertain significance. Last evaluated: 2024-05-22. Review status: criteria provided, single submitter. Criteria: LabCorp Variant Classification Summary - May 2015. Collection method: clinical testing. Allele origin: germline.
Comment: Variant summary: CHRNA4 c.1343C>T (p.Pro448Leu) results in a non-conservative amino acid change located in the Neurotransmitter-gated ion-channel transmembrane domain (IPR006029) of the encoded protein sequence. Four of five in-silico tools predict a benign effect of the variant on protein function. The variant was absent in 134142 control chromosomes. The available data on variant occurrences in the general population are insufficient to allow any conclusion about variant significance. To our knowledge, no occurrence of c.1343C>T in individuals affected with Epilepsy, Nocturnal Frontal Lobe, Type 1 and no experimental evidence demonstrating its impact on protein function have been reported. No submitters have cited clinical-significance assessments for this variant to ClinVar. Based on the evidence outlined above, the variant was classified as uncertain significance.